The following is an entry in ClinVar:

ClinVar aggregate classification (germline): Pathogenic/Likely pathogenic. Review status: criteria provided, multiple submitters, no conflicts (2 of 4 stars). 2 submissions from 2 submitters: Pathogenic (1); Likely pathogenic (1). Last evaluated 2024-08-29.

Conditions:
Aculeiform cataract (CTRCT4). Also called: Fasciculiform cataract; Frosted cataract; Needle-shaped cataract. Identifiers: MedGen C1861832, HP:0010926.

Submissions (2):

GeneDx
Classification: Likely pathogenic. Last evaluated: 2024-08-29. Review status: criteria provided, single submitter. Criteria: GeneDx Variant Classification Process June 2021. Collection method: clinical testing. Allele origin: germline. Affected: yes.
Comment: Segregates with congenital cataracts in many affected individuals from several families in published literature (PMID: 33460241, 34840822); Frameshift variant predicted to result in abnormal protein length as the last 16 amino acids are replaced with 8 different amino acids; Not observed at significant frequency in large population cohorts (gnomAD); This variant is associated with the following publications: (PMID: 33460241, 34840822)

Labcorp Genetics (formerly Invitae), Labcorp
Classification: Pathogenic for Aculeiform cataract. Last evaluated: 2024-04-15. Review status: criteria provided, single submitter. Criteria: Invitae Variant Classification Sherloc (09022015). Collection method: clinical testing. Allele origin: germline.
Comment: This sequence change creates a premature translational stop signal (p.Ala159Profs*9) in the CRYGD gene. While this is not anticipated to result in nonsense mediated decay, it is expected to disrupt the last 16 amino acid(s) of the CRYGD protein. This variant is not present in population databases (gnomAD no frequency). This premature translational stop signal has been observed in individual(s) with bilateral congenital cataracts (PMID: 33460241; Invitae). In at least one individual the variant was observed to be de novo. It has also been observed to segregate with disease in related individuals. ClinVar contains an entry for this variant (Variation ID: 574299). Algorithms developed to predict the effect of variants on protein structure and function are not available or were not evaluated for this variant. Experimental studies have shown that this premature translational stop signal affects CRYGD function (PMID: 33460241). For these reasons, this variant has been classified as Pathogenic.

Literature cited by the submitters: PubMed 33460241 (cited by Labcorp Genetics (formerly Invitae), Labcorp).

NM_006891.4(CRYGD):c.475del (p.Ala159fs)

Genes: CRYGD (crystallin gamma D; minus strand), LOC100507443 (uncharacterized LOC100507443; plus strand). Cytogenetic location: 2q33.3.
Variant type: Deletion.
Coding change: c.475del on transcript NM_006891.4 (MANE Select); coding-DNA position 475, one base deleted (G; older notation c.475delG).
Protein change: p.Ala159fs; shifts the reading frame from alanine 159.
Molecular consequence: frameshift variant.
Genome position (GRCh38, 1-based): chr2:208,121,723, C deleted on the plus strand (G on the coding strand, the reverse complement: CRYGD is on the minus strand); the first of 6 consecutive C bases (chr2:208,121,723-208,121,728); deleting any one gives the same sequence. VCF-style (leftmost placement, unchanged base first): chr2-208121722-GC-G. GRCh37 (hg19) VCF-style: chr2-208986446-GC-G.
Other names: short protein forms A159fs.
Identifiers: ClinVar variation 574299 (VCV000574299.10), dbSNP rs764945940, ClinGen allele CA645539147.
Genomic context (GRCh38, chr2:208,121,722, plus strand): 5'-GAGGACATATTTCAGGAGAAATCTATGACTCTCCTCAGAGAGCCCACTCTGGCATTCGTG[GC>G]CCCCCAGTCCTGGTAGCGCCTATAGTCCCCTGGCATCAGCAGGTACTGCCGTCCTCGGTA-3'